The following is an entry in ClinVar:

ClinVar aggregate classification (germline): Conflicting classifications of pathogenicity. Review status: criteria provided, conflicting classifications (1 of 4 stars). 3 submissions from 3 submitters: Uncertain significance (2); Likely benign (1). Last evaluated 2025-07-11.

Conditions:
Hereditary cancer-predisposing syndrome. Also called: Neoplastic Syndromes, Hereditary; Hereditary Cancer Syndrome; Tumor predisposition; Hereditary neoplastic syndrome. Identifiers: Orphanet 140162, MedGen C0027672, MeSH D009386, MONDO:0015356.
Ataxia-telangiectasia syndrome (AT). Also called: LOUIS-BAR SYNDROME; Cerebello-oculocutaneous telangiectasia; Immunodeficiency with ataxia telangiectasia; Ataxia-telangiectasia, complementation group D; AT, COMPLEMENTATION GROUP C; Ataxia-telangiectasia, complementation group E. Identifiers: Orphanet 100, MedGen C0004135, MONDO:0008840, OMIM 208900.

Allele frequency attached by ClinVar (database versions not stated): gnomAD exomes below 0.00001; gnomAD 0.00001; TOPMed 0.00005.
gnomAD v4.1: 2 of 1,612,438 alleles (0.00012%); highest among the groups gnomAD compares: Admixed American, 0.0033%; no homozygotes.

Submissions (3):

Ambry Genetics
Classification: Likely benign for Hereditary cancer-predisposing syndrome. Last evaluated: 2025-07-11. Review status: criteria provided, single submitter. Criteria: Ambry Variant Classification Scheme 2023. Collection method: clinical testing. Allele origin: germline.

Labcorp Genetics (formerly Invitae), Labcorp
Classification: Uncertain significance for Ataxia-telangiectasia syndrome. Last evaluated: 2022-11-03. Review status: criteria provided, single submitter. Criteria: Invitae Variant Classification Sherloc (09022015). Collection method: clinical testing. Allele origin: germline.
Comment: In summary, the available evidence is currently insufficient to determine the role of this variant in disease. Therefore, it has been classified as a Variant of Uncertain Significance. Algorithms developed to predict the effect of sequence changes on RNA splicing suggest that this variant may disrupt the consensus splice site. Algorithms developed to predict the effect of missense changes on protein structure and function (SIFT, PolyPhen-2, Align-GVGD) all suggest that this variant is likely to be tolerated. ClinVar contains an entry for this variant (Variation ID: 490645). This variant has not been reported in the literature in individuals affected with ATM-related conditions. This variant is present in population databases (no rsID available, gnomAD 0.003%). This sequence change replaces lysine, which is basic and polar, with glutamic acid, which is acidic and polar, at codon 2082 of the ATM protein (p.Lys2082Glu).

Color Diagnostics, LLC DBA Color Health
Classification: Uncertain significance for Hereditary cancer-predisposing syndrome. Last evaluated: 2018-09-14. Review status: criteria provided, single submitter. Criteria: ACMG Guidelines, 2015. Collection method: clinical testing. Allele origin: germline.

NM_000051.4(ATM):c.6244A>G (p.Lys2082Glu)

Genes: ATM (ATM serine/threonine kinase; plus strand), C11orf65 (chromosome 11 open reading frame 65; minus strand). Cytogenetic location: 11q22.3.
Variant type: single nucleotide variant.
Coding change: c.6244A>G on transcript NM_000051.4 (MANE Select); coding-DNA position 6244, A replaced by G.
Protein change: p.Lys2082Glu; replaces lysine 2082 with glutamic acid.
Molecular consequence: missense variant. On other transcripts: intron variant (2).
Genome position (GRCh38, 1-based): chr11:108,317,418, A>G. VCF-style: chr11-108317418-A-G. GRCh37 (hg19) VCF-style: chr11-108188145-A-G.
Other names: c.*39-8347T>C (NM_001351110.2); c.6244A>G, p.Lys2082Glu (NM_001351834.2); c.641-8347T>C (NM_001330368.2); short protein forms K2082E.
Identifiers: ClinVar variation 490645 (VCV000490645.18), dbSNP rs1239942908, ClinGen allele CA382551789.